The following is an entry in ClinVar:

ClinVar aggregate classification (germline): Uncertain significance (1 of 4 stars; one submission).

Conditions:
Hereditary cancer-predisposing syndrome. Also called: Neoplastic Syndromes, Hereditary; Tumor predisposition; Hereditary neoplastic syndrome; Hereditary Cancer Syndrome. Identifiers: Orphanet 140162, MedGen C0027672, MeSH D009386, MONDO:0015356.

Submission:

Ambry Genetics
Classification: Uncertain significance for Hereditary cancer-predisposing syndrome. Last evaluated: 2024-05-09. Review status: criteria provided, single submitter. Criteria: Ambry Variant Classification Scheme 2023. Collection method: clinical testing. Allele origin: germline.
Comment: The p.A1700S variant (also known as c.5098G>T), located in coding exon 39 of the TSC2 gene, results from a G to T substitution at nucleotide position 5098. The alanine at codon 1700 is replaced by serine, an amino acid with similar properties. This amino acid position is conserved. In addition, the in silico prediction for this alteration is inconclusive. Based on the available evidence, the clinical significance of this variant remains unclear.

NM_000548.5(TSC2):c.5098G>T (p.Ala1700Ser)

Gene: TSC2 (TSC complex subunit 2; plus strand). Cytogenetic location: 16p13.3.
Variant type: single nucleotide variant.
Coding change: c.5098G>T on transcript NM_000548.5 (MANE Select); coding-DNA position 5098, G replaced by T.
Protein change: p.Ala1700Ser; replaces alanine 1700 with serine.
Molecular consequence: missense variant. On other transcripts: non-coding transcript variant (5).
Genome position (GRCh38, 1-based): chr16:2,088,077, G>T. VCF-style: chr16-2088077-G-T. GRCh37 (hg19) VCF-style: chr16-2138078-G-T.
Other names: c.4897G>T, p.Ala1633Ser (NM_001077183.3); c.5029G>T, p.Ala1677Ser (NM_001114382.3); c.4789G>T, p.Ala1597Ser (NM_001318827.2); c.4753G>T, p.Ala1585Ser (NM_001318829.2); c.4366G>T, p.Ala1456Ser (NM_001318831.2); c.4930G>T, p.Ala1644Ser (NM_001318832.2); c.4900G>T, p.Ala1634Ser (NM_001363528.2); c.4966G>T, p.Ala1656Ser (NM_001370404.1); and 26 more; short protein forms A1099S, A1433S, A1456S, A1476S, A1480S, A1500S, A1596S, A1628S.
Identifiers: ClinVar variation 3329513 (VCV003329513.1).